The following is an entry in ClinVar:

ClinVar aggregate classification (germline): Pathogenic (1 of 4 stars; one submission).

Allele frequency attached by ClinVar (database versions not stated): gnomAD exomes below 0.00001.
gnomAD v4.1: 1 of 1,613,580 alleles (0.000062%); highest among the groups gnomAD compares: Non-Finnish European, 0.000085%; no homozygotes.

Submission:

Labcorp Genetics (formerly Invitae), Labcorp
Classification: Pathogenic. Last evaluated: 2025-05-05. Review status: criteria provided, single submitter. Criteria: Invitae Variant Classification Sherloc (09022015). Collection method: clinical testing. Allele origin: germline.
Comment: This sequence change creates a premature translational stop signal (p.Gln41*) in the MPDZ gene. It is expected to result in an absent or disrupted protein product. Loss-of-function variants in MPDZ are known to be pathogenic (PMID: 23240096, 28556411). This variant is not present in population databases (gnomAD no frequency). This variant has not been reported in the literature in individuals affected with MPDZ-related conditions. ClinVar contains an entry for this variant (Variation ID: 2764789). For these reasons, this variant has been classified as Pathogenic.

Literature cited by the submitters: PubMed 23240096; PubMed 28556411.

NM_001378778.1(MPDZ):c.121C>T (p.Gln41Ter)

Gene: MPDZ (multiple PDZ domain crumbs cell polarity complex component; minus strand). Cytogenetic location: 9p23.
Variant type: single nucleotide variant.
Coding change: c.121C>T on transcript NM_001378778.1 (MANE Select); coding-DNA position 121, C replaced by T.
Protein change: p.Gln41Ter; replaces glutamine 41 with a stop codon.
Molecular consequence: nonsense.
Genome position (GRCh38, 1-based): chr9:13,247,697, G>A on the plus strand (C>T on the coding strand, the complement: MPDZ is on the minus strand). VCF-style: chr9-13247697-G-A. GRCh37 (hg19) VCF-style: chr9-13247696-G-A.
Other names: c.121C>T, p.Gln41Ter (NM_001261406.2, NM_001261407.2, NM_001330637.2 and 14 more transcripts); short protein forms Q41*.
Identifiers: ClinVar variation 2764789 (VCV002764789.3), dbSNP rs2499759755, ClinGen allele CA373088267.